The following is an entry in ClinVar:

ClinVar aggregate classification (germline): Uncertain significance (1 of 4 stars; one submission).

Allele frequency attached by ClinVar (database versions not stated): gnomAD 0.00001; gnomAD exomes 0.00001; TOPMed 0.00001; ExAC 0.00003.
gnomAD v4.1: 14 of 1,613,238 alleles (0.00087%); highest among the groups gnomAD compares: Non-Finnish European, 0.0012%; no homozygotes.

Submission:

Labcorp Genetics (formerly Invitae), Labcorp
Classification: Uncertain significance. Last evaluated: 2023-07-17. Review status: criteria provided, single submitter. Criteria: Invitae Variant Classification Sherloc (09022015). Collection method: clinical testing. Allele origin: germline.
Comment: In summary, the available evidence is currently insufficient to determine the role of this variant in disease. Therefore, it has been classified as a Variant of Uncertain Significance. Advanced modeling of protein sequence and biophysical properties (such as structural, functional, and spatial information, amino acid conservation, physicochemical variation, residue mobility, and thermodynamic stability) performed at Invitae indicates that this missense variant is expected to disrupt LIPC protein function. This variant has not been reported in the literature in individuals affected with LIPC-related conditions. This variant is present in population databases (rs751910773, gnomAD 0.005%). This sequence change replaces cysteine, which is neutral and slightly polar, with arginine, which is basic and polar, at codon 313 of the LIPC protein (p.Cys313Arg).

NM_000236.3(LIPC):c.937T>C (p.Cys313Arg)

Gene: LIPC (lipase C, hepatic type; plus strand). Cytogenetic location: 15q21.3.
Variant type: single nucleotide variant.
Coding change: c.937T>C on transcript NM_000236.3 (MANE Select); coding-DNA position 937, T replaced by C.
Protein change: p.Cys313Arg; replaces cysteine 313 with arginine.
Molecular consequence: missense variant.
Genome position (GRCh38, 1-based): chr15:58,548,458, T>C. VCF-style: chr15-58548458-T-C. GRCh37 (hg19) VCF-style: chr15-58840657-T-C.
Other names: short protein forms C313R.
Identifiers: ClinVar variation 2855715 (VCV002855715.3), dbSNP rs751910773, ClinGen allele CA7585048.